The following is an entry in ClinVar:

ClinVar aggregate classification (germline): Uncertain significance (1 of 4 stars; one submission).

Conditions:
PKHD1-related disorder. Also called: PKHD1-related condition.

gnomAD v4.1: 3 of 1,600,172 alleles (0.00019%); highest among the groups gnomAD compares: South Asian, 0.0011%; no homozygotes.

Submission:

PreventionGenetics, part of Exact Sciences
Classification: Uncertain significance for PKHD1-related condition. Last evaluated: 2025-10-15. Review status: criteria provided, single submitter. Criteria: ACMG Guidelines, 2015. Collection method: clinical testing. Allele origin: germline.
Comment: The PKHD1 c.7745C>T variant is predicted to result in the amino acid substitution p.Pro2582Leu. To our knowledge, this variant has not been reported in the literature or in a large population database (gnomAD), indicating this variant is rare. At this time, the clinical significance of this variant is uncertain due to the absence of conclusive functional and genetic evidence.

NM_138694.4(PKHD1):c.7745C>T (p.Pro2582Leu)

Gene: PKHD1 (PKHD1 ciliary IPT domain containing fibrocystin/polyductin; minus strand). Cytogenetic location: 6p12.2.
Variant type: single nucleotide variant.
Coding change: c.7745C>T on transcript NM_138694.4 (MANE Select); coding-DNA position 7745, C replaced by T.
Protein change: p.Pro2582Leu; replaces proline 2582 with leucine.
Molecular consequence: missense variant.
Genome position (GRCh38, 1-based): chr6:51,856,059, G>A on the plus strand (C>T on the coding strand, the complement: PKHD1 is on the minus strand). VCF-style: chr6-51856059-G-A. GRCh37 (hg19) VCF-style: chr6-51720857-G-A.
Other names: c.7745C>T, p.Pro2582Leu (NM_170724.3); short protein forms P2582L.
Identifiers: ClinVar variation 4986783 (VCV004986783.1).